The following is an entry in ClinVar:

ClinVar aggregate classification (germline): Uncertain significance (1 of 4 stars; one submission).

Submission:

Women's Health and Genetics/Laboratory Corporation of America, LabCorp
Classification: Uncertain significance. Last evaluated: 2023-04-11. Review status: criteria provided, single submitter. Criteria: LabCorp Variant Classification Summary - May 2015. Collection method: clinical testing. Allele origin: germline.
Comment: Variant summary: MMAB c.716_718delinsAGT (p.Met239LysfsX2) results in a premature termination codon, predicted to cause a truncation of the encoded protein, but is not expected to result in nonsense-mediated decay. No truncations downstream of this position have been classified as pathogenic by our laboratory or other ClinVar submitters. The variant was absent in 251412 control chromosomes. The available data on variant occurrences in the general population are insufficient to allow any conclusion about variant significance. To our knowledge, no occurrence of c.716_718delinsAGT in individuals affected with Methylmalonic Acidemia and no experimental evidence demonstrating its impact on protein function have been reported. No submitters have provided clinical-significance assessments for this variant to ClinVar after 2014. Based on the evidence outlined above, the variant was classified as uncertain significance.

NM_052845.4(MMAB):c.716_718delinsAGT (p.Met239_Lys240delinsLysTer)

Gene: MMAB (metabolism of cobalamin associated B; minus strand). Cytogenetic location: 12q24.11.
Variant type: Indel.
Coding change: c.716_718delinsAGT on transcript NM_052845.4 (MANE Select); coding-DNA positions 716 to 718, TGA replaced by AGT.
Protein change: p.Met239_Lys240delinsLysTer.
Molecular consequence: nonsense. On other transcripts: non-coding transcript variant (1).
Genome position (GRCh38, 1-based): chr12:109,557,063-109,557,065, TCA replaced by ACT on the plus strand (TGA replaced by AGT on the coding strand, the reverse complement: MMAB is on the minus strand). VCF-style: chr12-109557063-TCA-ACT. GRCh37 (hg19) VCF-style: chr12-109994868-TCA-ACT.
Other names: c.716_718delinsAGT (NM_052845.3).
Identifiers: ClinVar variation 2503845 (VCV002503845.1), dbSNP rs2548600649, ClinGen allele CA2580614549.
Genomic context (GRCh38, chr12:109,557,063, plus strand): 5'-CTCCAAGCTCCCACTTTCTGTGATTTCAGAGTCCCTCAGACTCGGCCGATGGGTCATTTT[TCA>ACT]TGTATATTTTCTCTTGATTCCCCTCCTTCATGGCTGCATATCTGGCTAGCGTGAAGAGAT-3'